The following is an entry in ClinVar:

NM_013275.6(ANKRD11):c.6341A>G (p.Gln2114Arg)

Gene: ANKRD11 (ankyrin repeat domain containing 11; minus strand). Cytogenetic location: 16q24.3.
Variant type: single nucleotide variant.
Coding change: c.6341A>G on transcript NM_013275.6 (MANE Select); coding-DNA position 6341, A replaced by G.
Protein change: p.Gln2114Arg; replaces glutamine 2114 with arginine.
Molecular consequence: missense variant.
Genome position (GRCh38, 1-based): chr16:89,280,201, T>C on the plus strand (A>G on the coding strand, the complement: ANKRD11 is on the minus strand). VCF-style: chr16-89280201-T-C. GRCh37 (hg19) VCF-style: chr16-89346609-T-C.
Other names: c.6341A>G, p.Gln2114Arg (NM_001256182.2, NM_001256183.2); short protein forms Q2114R.
Identifiers: ClinVar variation 4525848 (VCV004525848.1).

ClinVar aggregate classification (germline): Uncertain significance (1 of 4 stars; one submission).

gnomAD v4.1: 4 of 1,608,246 alleles (0.00025%); highest among the groups gnomAD compares: Non-Finnish European, 0.00034%; no homozygotes.

Submission:

Women's Health and Genetics/Laboratory Corporation of America, LabCorp
Classification: Uncertain significance. Last evaluated: 2025-07-16. Review status: criteria provided, single submitter. Criteria: LabCorp Variant Classification Summary - May 2015. Collection method: clinical testing. Allele origin: germline.
Comment: Variant summary: ANKRD11 c.6341A>G (p.Gln2114Arg) results in a conservative amino acid change in the encoded protein sequence. Algorithms developed to predict the effect of missense changes on protein structure and function all suggest that this variant is likely to be tolerated. The variant was absent in 229090 control chromosomes. The available data on variant occurrences in the general population are insufficient to allow any conclusion about variant significance. To our knowledge, no occurrence of c.6341A>G in individuals affected with KBG Syndrome and no experimental evidence demonstrating its impact on protein function have been reported. No submitters have cited clinical-significance assessments for this variant to ClinVar. Based on the evidence outlined above, the variant was classified as uncertain significance.